The following is an entry in ClinVar:

NM_004525.3(LRP2):c.4002C>T (p.Gly1334=)

Gene: LRP2 (LDL receptor related protein 2; minus strand). Cytogenetic location: 2q31.1.
Variant type: single nucleotide variant.
Coding change: c.4002C>T on transcript NM_004525.3 (MANE Select); coding-DNA position 4002, C replaced by T.
Protein change: p.Gly1334=; no amino-acid change (glycine 1334 retained).
Molecular consequence: synonymous variant.
Genome position (GRCh38, 1-based): chr2:169,241,031, G>A on the plus strand (C>T on the coding strand, the complement: LRP2 is on the minus strand). VCF-style: chr2-169241031-G-A. GRCh37 (hg19) VCF-style: chr2-170097541-G-A.
Identifiers: ClinVar variation 2008398 (VCV002008398.4), dbSNP rs1324386134, ClinGen allele CA429987587.

ClinVar aggregate classification (germline): Uncertain significance (1 of 4 stars; one submission).

Allele frequency attached by ClinVar (database versions not stated): gnomAD exomes below 0.00001.
gnomAD v4.1: 1 of 1,614,066 alleles (0.000062%); highest among the groups gnomAD compares: South Asian, 0.0011%; no homozygotes.

Submission:

Labcorp Genetics (formerly Invitae), Labcorp
Classification: Uncertain significance. Last evaluated: 2022-08-30. Review status: criteria provided, single submitter. Criteria: Invitae Variant Classification Sherloc (09022015). Collection method: clinical testing. Allele origin: germline.
Comment: In summary, the available evidence is currently insufficient to determine the role of this variant in disease. Therefore, it has been classified as a Variant of Uncertain Significance. Algorithms developed to predict the effect of sequence changes on RNA splicing suggest that this variant may disrupt the consensus splice site. This variant has not been reported in the literature in individuals affected with LRP2-related conditions. This variant is present in population databases (no rsID available, gnomAD 0.003%). This sequence change affects codon 1334 of the LRP2 mRNA. It is a 'silent' change, meaning that it does not change the encoded amino acid sequence of the LRP2 protein.